The following is an entry in ClinVar:

NM_001353921.2(ARHGEF9):c.1238T>C (p.Phe413Ser)

Gene: ARHGEF9 (Cdc42 guanine nucleotide exchange factor 9; minus strand). Cytogenetic location: Xq11.1.
Variant type: single nucleotide variant.
Coding change: c.1238T>C on transcript NM_001353921.2 (MANE Select); coding-DNA position 1238, T replaced by C.
Protein change: p.Phe413Ser; replaces phenylalanine 413 with serine.
Molecular consequence: missense variant. On other transcripts: intron variant (2).
Genome position (GRCh38, 1-based): chrX:63,655,577, A>G on the plus strand (T>C on the coding strand, the complement: ARHGEF9 is on the minus strand). VCF-style: chrX-63655577-A-G. GRCh37 (hg19) VCF-style: chrX-62875457-A-G.
Other names: c.1058T>C, p.Phe353Ser (NM_001173479.2); c.911T>C, p.Phe304Ser (NM_001173480.2, NM_001369042.1); c.1154T>C, p.Phe385Ser (NM_001330495.2, NM_001369033.1, NM_001369034.1 and 4 more transcripts); c.1106T>C, p.Phe369Ser (NM_001353922.2); c.1256T>C, p.Phe419Ser (NM_001353923.1); c.1037T>C, p.Phe346Ser (NM_001353924.2, NM_001353926.2, NM_001369039.1 and 1 more transcripts); c.1022T>C, p.Phe341Ser (NM_001353927.2, NM_001369041.1); c.1085T>C, p.Phe362Ser (NM_001353928.2); and 3 more; short protein forms F406S, F224S, F304S, F341S, F413S, F419S, F385S, F346S.
Identifiers: ClinVar variation 426889 (VCV000426889.2), dbSNP rs1085307842, ClinGen allele CA413404308.

ClinVar aggregate classification (germline): Uncertain significance (1 of 4 stars; one submission).

Allele frequency attached by ClinVar (database versions not stated): gnomAD exomes 0.00001.

Submission:

GeneDx
Classification: Uncertain significance. Last evaluated: 2017-03-29. Review status: criteria provided, single submitter. Criteria: GeneDx Variant Classification (06012015). Collection method: clinical testing. Allele origin: germline. Affected: yes.
Comment: A variant of uncertain significance has been identified in the ARHGEF9 gene. The F406S variant has not been published as a pathogenic variant, nor has it been reported as a benign variant to our knowledge. This substitution occurs at a position where amino acids with similar properties to Phenylalanine are tolerated across species. However, the F406S variant is a non-conservative amino acid substitution, which is likely to impact secondary protein structure as these residues differ in polarity, charge, size and/or other properties. In silico analysis predicts this variant is probably damaging to the protein structure/function. Therefore, based on the currently available information, it is unclear whether this variant is a pathogenic variant or a rare benign variant.